The following is an entry in ClinVar:

NM_198129.4(LAMA3):c.5113-2A>G

Gene: LAMA3 (laminin subunit alpha 3; plus strand). Cytogenetic location: 18q11.2.
Variant type: single nucleotide variant.
Coding change: c.5113-2A>G on transcript NM_198129.4 (MANE Select); the canonical splice acceptor site of the intron before coding-DNA position 5113, A replaced by G.
Molecular consequence: splice acceptor variant.
Genome position (GRCh38, 1-based): chr18:23,881,934, A>G. VCF-style: chr18-23881934-A-G. GRCh37 (hg19) VCF-style: chr18-21461898-A-G.
Other names: c.5113-2A>G (NM_001127717.4); c.286-2A>G (NM_000227.6, NM_001127718.4).
Identifiers: ClinVar variation 370423 (VCV000370423.12), dbSNP rs1057516475, ClinGen allele CA16041929.
Genomic context (GRCh38, chr18:23,881,934, plus strand): 5'-AATAATCTCAGAAGTAGGGACTGTACTGGCTGCTGTGAATTGTGCTGTTCACCTGTCCCC[A>G]GAACTGTCAGCACAACACCGCGGGAGAGCACTGTGAACGCTGCCAGGAGGGCTACTATGG-3'

ClinVar aggregate classification (germline): Likely pathogenic. Review status: criteria provided, single submitter (1 of 4 stars). 2 submissions from 2 submitters: Likely pathogenic (1). 1 of the submissions does not count toward it. Last evaluated 2022-02-05.

Conditions:
Junctional epidermolysis bullosa gravis of Herlitz. Also called: JEB-HERLITZ TYPE; EPIDERMOLYSIS BULLOSA, JUNCTIONAL 1B, SEVERE; Epidermolysis Bullosa Letalis; Herlitz-type junctional epidermolysis bullosa; EPIDERMOLYSIS BULLOSA JUNCTIONALIS, HERLITZ TYPE; EPIDERMOLYSIS BULLOSA, JUNCTIONAL, HERLITZ-PEARSON TYPE. Identifiers: Orphanet 79404, MedGen C0079683, MONDO:0009182, OMIM 226700.

Allele frequency attached by ClinVar (database versions not stated): gnomAD 0.00001.
gnomAD v4.1: 1 of 1,608,150 alleles (0.000062%); highest among the groups gnomAD compares: African/African-American, 0.0013%; no homozygotes.

Submissions (3):

Labcorp Genetics (formerly Invitae), Labcorp
Classification: Likely pathogenic. Last evaluated: 2022-02-05. Review status: criteria provided, single submitter. Criteria: Invitae Variant Classification Sherloc (09022015). Collection method: clinical testing. Allele origin: germline.
Comment: In summary, the currently available evidence indicates that the variant is pathogenic, but additional data are needed to prove that conclusively. Therefore, this variant has been classified as Likely Pathogenic. Algorithms developed to predict the effect of sequence changes on RNA splicing suggest that this variant may disrupt the consensus splice site. ClinVar contains an entry for this variant (Variation ID: 370423). This variant has not been reported in the literature in individuals affected with LAMA3-related conditions. This variant is not present in population databases (gnomAD no frequency). This sequence change affects an acceptor splice site in intron 2 of the LAMA3 gene. It is expected to disrupt RNA splicing. Variants that disrupt the donor or acceptor splice site typically lead to a loss of protein function (PMID: 16199547), and loss-of-function variants in LAMA3 are known to be pathogenic (PMID: 10366601, 11810295, 12915477, 16473856, 17362460, 22434185, 23869449, 27827380, 28087116).

Counsyl
Classification: Likely pathogenic for Junctional epidermolysis bullosa gravis of Herlitz. Last evaluated: 2016-02-05. Review status: no assertion criteria provided. Collection method: clinical testing. Allele origin: unknown. Not counted in ClinVar's aggregate classification.

Dr. Peter K. Rogan Lab, Western University
No classification provided (evidence only). Condition: Papillary renal cell carcinoma type 1. Review status: no classification provided. Collection method: in vitro. Allele origin: not applicable. Functional consequence: retained intron. Not counted in ClinVar's aggregate classification.

Literature cited by the submitters: PubMed 16199547 (cited by Labcorp Genetics (formerly Invitae), Labcorp); PubMed 10366601 (cited by Labcorp Genetics (formerly Invitae), Labcorp); PubMed 11810295 (cited by Labcorp Genetics (formerly Invitae), Labcorp); PubMed 12915477 (cited by Labcorp Genetics (formerly Invitae), Labcorp); PubMed 16473856 (cited by Labcorp Genetics (formerly Invitae), Labcorp); PubMed 17362460 (cited by Labcorp Genetics (formerly Invitae), Labcorp); PubMed 22434185 (cited by Labcorp Genetics (formerly Invitae), Labcorp); PubMed 23869449 (cited by Labcorp Genetics (formerly Invitae), Labcorp); PubMed 27827380 (cited by Labcorp Genetics (formerly Invitae), Labcorp); PubMed 28087116 (cited by Labcorp Genetics (formerly Invitae), Labcorp).